The following is an entry in ClinVar:

ClinVar aggregate classification (germline): Conflicting classifications of pathogenicity. Review status: criteria provided, conflicting classifications (1 of 4 stars). 2 submissions from 2 submitters: Likely pathogenic (1); Uncertain significance (1). Last evaluated 2026-03-17.

Conditions:
Marfan syndrome (MFS). Also called: FBN1-Related Marfan Syndrome; MARFAN SYNDROME, TYPE I; Marfan syndrome type 1; Marfan's syndrome; Marfan syndrome, classic. Identifiers: Orphanet 284963, Orphanet 558, MedGen C0024796, MONDO:0007947, OMIM 154700.
Familial thoracic aortic aneurysm and aortic dissection (TAAD). Also called: Thoracic aortic aneurysms and dissections. Identifiers: Orphanet 91387, MedGen C4707243, MONDO:0019625.

Submissions (2):

GeneDx
Classification: Uncertain significance. Last evaluated: 2026-03-17. Review status: criteria provided, single submitter. Criteria: GeneDx Variant Classification Process June 2021. Collection method: clinical testing. Allele origin: germline.
Comment: Not observed at significant frequency in large population cohorts (gnomAD); In silico analysis supports that this missense variant has a deleterious effect on protein structure/function; Has not been previously published as pathogenic or benign to our knowledge; This variant is associated with the following publications: (PMID: 20591885)

Labcorp Genetics (formerly Invitae), Labcorp
Classification: Likely pathogenic for Marfan syndrome; Familial thoracic aortic aneurysm and aortic dissection. Last evaluated: 2025-02-16. Review status: criteria provided, single submitter. Criteria: Invitae Variant Classification Sherloc (09022015). Collection method: clinical testing. Allele origin: germline.
Comment: This sequence change replaces glutamic acid, which is acidic and polar, with lysine, which is basic and polar, at codon 1852 of the FBN1 protein (p.Glu1852Lys). This variant is not present in population databases (gnomAD no frequency). This missense change has been observed in individual(s) with Marfan syndrome (internal data). Invitae Evidence Modeling of protein sequence and biophysical properties (such as structural, functional, and spatial information, amino acid conservation, physicochemical variation, residue mobility, and thermodynamic stability) indicates that this missense variant is expected to disrupt FBN1 protein function with a positive predictive value of 95%. This variant disrupts the p.Glu1852 amino acid residue in FBN1. Other variant(s) that disrupt this residue have been determined to be pathogenic (internal data). This suggests that this residue is clinically significant, and that variants that disrupt this residue are likely to be disease-causing. In summary, the currently available evidence indicates that the variant is pathogenic, but additional data are needed to prove that conclusively. Therefore, this variant has been classified as Likely Pathogenic.

NM_000138.5(FBN1):c.5554G>A (p.Glu1852Lys)

Gene: FBN1 (fibrillin 1; minus strand). Cytogenetic location: 15q21.1.
Variant type: single nucleotide variant.
Coding change: c.5554G>A on transcript NM_000138.5 (MANE Select); coding-DNA position 5554, G replaced by A.
Protein change: p.Glu1852Lys; replaces glutamic acid 1852 with lysine.
Molecular consequence: missense variant.
Genome position (GRCh38, 1-based): chr15:48,448,885, C>T on the plus strand (G>A on the coding strand, the complement: FBN1 is on the minus strand). VCF-style: chr15-48448885-C-T. GRCh37 (hg19) VCF-style: chr15-48741082-C-T.
Other names: c.5554G>A, p.Glu1852Lys (NM_001406716.1); short protein forms E1852K.
Identifiers: ClinVar variation 4789645 (VCV004789645.2).
Genomic context (GRCh38, chr15:48,448,885, plus strand): 5'-AGCTTCCAACTGTGTCAATGCACTGCCCATGACTGCATATATTGGGGATTTCTTGACATT[C>T]ATTACGATCTGTAAATAAGAAGCATCTTAAGTGAGAACTTAGAAGACAAAATATAATTGA-3'
Protein context (NP_000129.3, residues 1842-1862): TSTGQCNDRN[Glu1852Lys]CQEIPNICSH